The following is an entry in ClinVar:

ClinVar aggregate classification (germline): Likely benign (1 of 4 stars; one submission).

gnomAD v4.1: 227 of 1,367,782 alleles (0.017%); highest among the groups gnomAD compares: Middle Eastern, 0.026%; no homozygotes.

Submission:

CeGaT Center for Human Genetics Tuebingen
Classification: Likely benign. Last evaluated: 2022-08-01. Review status: criteria provided, single submitter. Criteria: CeGaT Center For Human Genetics Tuebingen Variant Classification Criteria Version 2. Collection method: clinical testing. Allele origin: germline. Affected: yes. Observed: 1 variant allele.
Comment: CROCC2: BP4, BP7

NM_001351305.2(CROCC2):c.2025G>A (p.Ala675=)

Gene: CROCC2 (ciliary rootlet coiled-coil, rootletin family member 2; plus strand). Cytogenetic location: 2q37.3.
Variant type: single nucleotide variant.
Coding change: c.2025G>A on transcript NM_001351305.2 (MANE Select); coding-DNA position 2025, G replaced by A.
Protein change: p.Ala675=; no amino-acid change (alanine 675 retained).
Molecular consequence: synonymous variant.
Genome position (GRCh38, 1-based): chr2:240,935,444, G>A. VCF-style: chr2-240935444-G-A. GRCh37 (hg19) VCF-style: chr2-241874861-G-A.
Identifiers: ClinVar variation 2652101 (VCV002652101.24), dbSNP rs372103663, ClinGen allele CA68196470.
Genomic context (GRCh38, chr2:240,935,444, plus strand): 5'-GGAACAGCGGAAGACTCTGGAGCAGGAACGGGCCCGGGCCGGGGAGCAGCTGGCACAGGC[G>A]GAGCAGCAGCTGGCGCTGGAGCGGGCAGAGCGCAGGGGCCTGCAGCAGGCCTGCGGACGC-3'
Protein context (NP_001338234.1, residues 665-685): RARAGEQLAQ[Ala675=]EQQLALERAE